The following is an entry in ClinVar:

NM_006941.4(SOX10):c.334A>G (p.Met112Val)

Genes: POLR2F (RNA polymerase II, I and III subunit F; plus strand), SOX10 (SRY-box transcription factor 10; minus strand). Cytogenetic location: 22q13.1.
Variant type: single nucleotide variant.
Coding change: c.334A>G on transcript NM_006941.4 (MANE Select); coding-DNA position 334, A replaced by G.
Protein change: p.Met112Val; replaces methionine 112 with valine.
Molecular consequence: missense variant. On other transcripts: intron variant (3).
Genome position (GRCh38, 1-based): chr22:37,983,451, T>C on the plus strand (A>G on the coding strand, the complement: SOX10 is on the minus strand). VCF-style: chr22-37983451-T-C. GRCh37 (hg19) VCF-style: chr22-38379458-T-C.
Other names: c.*38+11141T>C (NM_001363825.1); c.294-2703T>C (NM_001301130.2); c.293+16281T>C (NM_001301131.2); short protein forms M112V.
Identifiers: ClinVar variation 547778 (VCV000547778.6), dbSNP rs1555939439, ClinGen allele CA411500576.

ClinVar aggregate classification (germline): Conflicting classifications of pathogenicity. Review status: criteria provided, conflicting classifications (1 of 4 stars). 4 submissions from 4 submitters: Pathogenic (2); Uncertain significance (2). Last evaluated 2026-06-01.

Conditions:
PCWH syndrome. Also called: WAARDENBURG-SHAH SYNDROME, NEUROLOGIC VARIANT. Identifiers: Orphanet 163746, MedGen C1836727, MONDO:0012198, OMIM 609136.
Waardenburg syndrome type 2E (WS2E). Also called: WAARDENBURG SYNDROME, TYPE 2E, WITH OR WITHOUT NEUROLOGIC INVOLVEMENT; WS2E, WITH OR WITHOUT NEUROLOGIC INVOLVEMENT; HYPOGONADOTROPIC HYPOGONADISM WITH ANOSMIA AND DEAFNESS, WITH OR WITHOUT HYPOPIGMENTATION. Identifiers: Orphanet 3440, MedGen C2700405, MONDO:0012698, OMIM 611584.
Waardenburg syndrome type 4C (WS4C). Also called: WAARDENBURG SYNDROME WITH HIRSCHSPRUNG DISEASE, TYPE 4C. Identifiers: Orphanet 897, MedGen C2750452, MONDO:0013202, OMIM 613266.

Submissions (4):

Department of Otolaryngology-Head and Neck Surgery, Shanghai Jiao Tong University Affiliated Sixth People’s Hospital
Classification: Pathogenic for Waardenburg syndrome type 4C. Last evaluated: 2026-06-01. Review status: criteria provided, single submitter. Criteria: ACMG Guidelines, 2015. Collection method: provider interpretation. Allele origin: de novo. Inheritance: Autosomal dominant inheritance. Affected: yes. Observed: 1 variant allele, 1 heterozygote.
Comment: NM_006941.4(SOX10):c.334A>G (p.Met112Val) is a parentally confirmed de novo variant (PS2) located within the conserved HMG functional domain of SOX10 (PM1), and pathogenic substitutions at the identical amino acid residue (NM_006941.4(SOX10):c.336G>A (p.Met112Ile), VCV001065836.5) have been previously documented (PM5). The variant is rare in general populations (PM2_Supporting) and predicted damaging by multiple bioinformatic algorithms (PP3). The patient’s phenotype of profound congenital deafness, inner ear developmental malformations, blue sclera and micropenis is consistent with Waardenburg syndrome type 4 (PP4). This variant is classified as Pathogenic following the 2015 ACMG/AMP guidelines and accounts for the proband’s clinical presentations.

Institute of Rare Diseases, West China Hospital, Sichuan University
Classification: Pathogenic for Waardenburg syndrome type 4C. Last evaluated: 2025-01-09. Review status: criteria provided, single submitter. Criteria: ClinGen HL ACMG Specifications v1. Collection method: research. Allele origin: germline. Affected: yes.
Comment: PM1;PS2;PM5;PP4;PM2_Supporting;PP3

Fulgent Genetics
Classification: Uncertain significance for PCWH syndrome; Waardenburg syndrome type 2E; Waardenburg syndrome type 4C. Last evaluated: 2018-10-31. Review status: criteria provided, single submitter. Criteria: ACMG Guidelines, 2015. Collection method: clinical testing. Allele origin: unknown.

Center for Human Genetics, Inc
Classification: Uncertain significance for Waardenburg syndrome type 4C. Last evaluated: 2016-11-01. Review status: criteria provided, single submitter. Criteria: ACMG Guidelines, 2015. Collection method: clinical testing. Allele origin: germline. Affected: yes.

Literature cited by the submitters: PubMed 21898658 (cited by Department of Otolaryngology-Head and Neck Surgery, Shanghai Jiao Tong University Affiliated Sixth People’s Hospital).